The following is an entry in ClinVar:

NM_002055.5(GFAP):c.930G>A (p.Met310Ile)

Gene: GFAP (glial fibrillary acidic protein; minus strand). Cytogenetic location: 17q21.31.
Variant type: single nucleotide variant.
Coding change: c.930G>A on transcript NM_002055.5 (MANE Select); coding-DNA position 930, G replaced by A.
Protein change: p.Met310Ile; replaces methionine 310 with isoleucine.
Molecular consequence: missense variant.
Genome position (GRCh38, 1-based): chr17:44,911,433, C>T on the plus strand (G>A on the coding strand, the complement: GFAP is on the minus strand). VCF-style: chr17-44911433-C-T. GRCh37 (hg19) VCF-style: chr17-42988801-C-T.
Other names: c.930G>A, p.Met310Ile (NM_001131019.3, NM_001242376.3, NM_001363846.2); short protein forms M310I.
Identifiers: ClinVar variation 548570 (VCV000548570.9), dbSNP rs755602073, ClinGen allele CA8608797.

ClinVar aggregate classification (germline): Uncertain significance. Review status: criteria provided, multiple submitters, no conflicts (2 of 4 stars). 5 submissions from 5 submitters: Uncertain significance (5). Last evaluated 2025-05-06.

Conditions:
Alexander disease (ALXDRD). Also called: Alexander's disease. Identifiers: Orphanet 58, MedGen C0270726, MONDO:0008752, OMIM 203450.
Inborn genetic diseases. Identifiers: MedGen C0950123, MeSH D030342.

Allele frequency attached by ClinVar (database versions not stated): gnomAD 0.00001; gnomAD exomes 0.00001 and below 0.00001; TOPMed 0.00002; ExAC 0.00002.
gnomAD v4.1: 17 of 1,610,784 alleles (0.0011%); highest among the groups gnomAD compares: Middle Eastern, 0.018%; no homozygotes.

Submissions (5):

Women's Health and Genetics/Laboratory Corporation of America, LabCorp
Classification: Uncertain significance. Last evaluated: 2025-05-06. Review status: criteria provided, single submitter. Criteria: LabCorp Variant Classification Summary - May 2015. Collection method: clinical testing. Allele origin: germline.
Comment: Variant summary: GFAP c.930G>A (p.Met310Ile) results in a conservative amino acid change in the encoded protein sequence. Algorithms developed to predict the effect of missense changes on protein structure and function are either unavailable or do not agree on the potential impact of this missense change. The variant allele was found at a frequency of 4e-06 in 248350 control chromosomes. The available data on variant occurrences in the general population are insufficient to allow any conclusion about variant significance. To our knowledge, no occurrence of c.930G>A in individuals affected with Alexander Disease and no experimental evidence demonstrating its impact on protein function have been reported. ClinVar contains an entry for this variant (Variation ID: 548570). Based on the evidence outlined above, the variant was classified as uncertain significance.

Labcorp Genetics (formerly Invitae), Labcorp
Classification: Uncertain significance. Last evaluated: 2025-02-27. Review status: criteria provided, single submitter. Criteria: Invitae Variant Classification Sherloc (09022015). Collection method: clinical testing. Allele origin: germline.
Comment: This sequence change replaces methionine, which is neutral and non-polar, with isoleucine, which is neutral and non-polar, at codon 310 of the GFAP protein (p.Met310Ile). This variant is present in population databases (rs755602073, gnomAD 0.003%). This variant has not been reported in the literature in individuals affected with GFAP-related conditions. ClinVar contains an entry for this variant (Variation ID: 548570). Invitae Evidence Modeling of protein sequence and biophysical properties (such as structural, functional, and spatial information, amino acid conservation, physicochemical variation, residue mobility, and thermodynamic stability) has been performed for this missense variant. However, the output from this modeling did not meet the statistical confidence thresholds required to predict the impact of this variant on GFAP protein function. In summary, the available evidence is currently insufficient to determine the role of this variant in disease. Therefore, it has been classified as a Variant of Uncertain Significance.

Ambry Genetics
Classification: Uncertain significance for Inborn genetic diseases. Last evaluated: 2024-08-10. Review status: criteria provided, single submitter. Criteria: Ambry Variant Classification Scheme 2023. Collection method: clinical testing. Allele origin: germline.

Department of Pathology and Laboratory Medicine, Sinai Health System
Classification: Uncertain significance for Alexander disease. Last evaluated: 2022-01-12. Review status: criteria provided, single submitter. Criteria: ACMG Guidelines, 2015. Collection method: research. Allele origin: germline.

Genomic Research Center, Shahid Beheshti University of Medical Sciences
Classification: Uncertain significance for Alexander disease. Last evaluated: 2018-03-05. Review status: criteria provided, single submitter. Criteria: ACMG Guidelines, 2015. Collection method: clinical testing. Allele origin: inherited. Affected: yes. Observed: 1 variant allele.